The following is an entry in ClinVar:

NM_145691.4(ATPAF2):c.451G>A (p.Val151Met)

Gene: ATPAF2 (ATP synthase mitochondrial F1 complex assembly factor 2; minus strand). Cytogenetic location: 17p11.2.
Variant type: single nucleotide variant.
Coding change: c.451G>A on transcript NM_145691.4 (MANE Select); coding-DNA position 451, G replaced by A.
Protein change: p.Val151Met; replaces valine 151 with methionine.
Molecular consequence: missense variant.
Genome position (GRCh38, 1-based): chr17:18,024,676, C>T on the plus strand (G>A on the coding strand, the complement: ATPAF2 is on the minus strand). VCF-style: chr17-18024676-C-T. GRCh37 (hg19) VCF-style: chr17-17927990-C-T.
Other names: short protein forms V151M.
Identifiers: ClinVar variation 1687661 (VCV001687661.8), dbSNP rs146000663, ClinGen allele CA8421859.

ClinVar aggregate classification (germline): Uncertain significance. Review status: criteria provided, multiple submitters, no conflicts (2 of 4 stars). 3 submissions from 3 submitters: Uncertain significance (3). Last evaluated 2024-10-25.

Allele frequency attached by ClinVar (database versions not stated): gnomAD exomes 0.00003 and 0.00008; ExAC 0.00012; TOPMed 0.00028; gnomAD 0.00029 and 0.00032; ESP Exome Variant Server 0.00046.
gnomAD v4.1: 98 of 1,614,000 alleles (0.0061%); highest among the groups gnomAD compares: African/African-American, 0.11%; 1 homozygote.

Submissions (3):

Labcorp Genetics (formerly Invitae), Labcorp
Classification: Uncertain significance. Last evaluated: 2024-10-25. Review status: criteria provided, single submitter. Criteria: Invitae Variant Classification Sherloc (09022015). Collection method: clinical testing. Allele origin: germline.
Comment: This sequence change replaces valine, which is neutral and non-polar, with methionine, which is neutral and non-polar, at codon 151 of the ATPAF2 protein (p.Val151Met). This variant is present in population databases (rs146000663, gnomAD 0.1%), and has an allele count higher than expected for a pathogenic variant. This variant has not been reported in the literature in individuals affected with ATPAF2-related conditions. ClinVar contains an entry for this variant (Variation ID: 1687661). Invitae Evidence Modeling of protein sequence and biophysical properties (such as structural, functional, and spatial information, amino acid conservation, physicochemical variation, residue mobility, and thermodynamic stability) indicates that this missense variant is not expected to disrupt ATPAF2 protein function with a negative predictive value of 80%. In summary, the available evidence is currently insufficient to determine the role of this variant in disease. Therefore, it has been classified as a Variant of Uncertain Significance.

Ambry Genetics
Classification: Uncertain significance. Last evaluated: 2024-10-01. Review status: criteria provided, single submitter. Criteria: Ambry Variant Classification Scheme 2023. Collection method: clinical testing. Allele origin: germline.

GeneDx
Classification: Uncertain significance. Last evaluated: 2022-05-24. Review status: criteria provided, single submitter. Criteria: GeneDx Variant Classification Process June 2021. Collection method: clinical testing. Allele origin: germline. Affected: yes.
Comment: In silico analysis supports that this missense variant does not alter protein structure/function; Has not been previously published as pathogenic or benign to our knowledge